The following is an entry in ClinVar:

NM_201384.3(PLEC):c.11257G>A (p.Val3753Met)

Gene: PLEC (plectin; minus strand). Cytogenetic location: 8q24.3.
Variant type: single nucleotide variant.
Coding change: c.11257G>A on transcript NM_201384.3 (MANE Select); coding-DNA position 11257, G replaced by A.
Protein change: p.Val3753Met; replaces valine 3753 with methionine.
Molecular consequence: missense variant.
Genome position (GRCh38, 1-based): chr8:143,918,564, C>T on the plus strand (G>A on the coding strand, the complement: PLEC is on the minus strand). VCF-style: chr8-143918564-C-T. GRCh37 (hg19) VCF-style: chr8-144992732-C-T.
Other names: c.11338G>A, p.Val3780Met (NM_000445.5); c.11215G>A, p.Val3739Met (NM_201378.4); c.11191G>A, p.Val3731Met (NM_201379.3); c.11668G>A, p.Val3890Met (NM_201380.4); c.11161G>A, p.Val3721Met (NM_201381.3); c.11257G>A, p.Val3753Met (NM_201382.4); c.11269G>A, p.Val3757Met (NM_201383.3); short protein forms V3721M, V3890M, V3731M, V3780M, V3753M, V3739M, V3757M.
Identifiers: ClinVar variation 938547 (VCV000938547.13), dbSNP rs782803934, ClinGen allele CA4924398.
Genomic context (GRCh38, chr8:143,918,564, plus strand): 5'-CACGGTAGCCGGTGACCGCCCGCTCAGCCGAGAGCAGGCGGTCGTGCAGCTCGGGCCCCA[C>T]GAGGCCCTTCCGCACAGCCTCATCCACAGTCAGCCGCTCCCCCTTCACCGGGTCCAGCAG-3'
Protein context (NP_958786.1, residues 3743-3763): TVDEAVRKGL[Val3753Met]GPELHDRLLS

ClinVar aggregate classification (germline): Uncertain significance. Review status: criteria provided, multiple submitters, no conflicts (2 of 4 stars). 3 submissions from 3 submitters: Uncertain significance (3). Last evaluated 2026-08-04.

Conditions:
Autosomal recessive limb-girdle muscular dystrophy type 2Q (LGMDR17). Also called: MUSCULAR DYSTROPHY, LIMB-GIRDLE, AUTOSOMAL RECESSIVE 17. Identifiers: Orphanet 254361, MedGen C3150989, MONDO:0013390, OMIM 613723.
Epidermolysis bullosa simplex, Ogna type (EBS5A). Also called: Pidermolysis bullosa simplex 5A, Ogna type; EPIDERMOLYSIS BULLOSA SIMPLEX 5A, OGNA TYPE. Identifiers: Orphanet 79401, MedGen C0432317, MONDO:0007555, OMIM 131950.
Epidermolysis bullosa simplex 5B, with muscular dystrophy (EBS5B). Also called: Epidermolysis bullosa simplex with muscular dystrophy; EPIDERMOLYSIS BULLOSA SIMPLEX AND LIMB-GIRDLE MUSCULAR DYSTROPHY. Identifiers: Orphanet 257, MedGen C2931072, MONDO:0009181, OMIM 226670.
Epidermolysis bullosa simplex with nail dystrophy (EBS5D). Identifiers: MedGen C4225309, MONDO:0014661, OMIM 616487.
Epidermolysis bullosa simplex 5C, with pyloric atresia (EBS5C). Also called: PLEC1-Related Epidermolysis Bullosa with Pyloric Atresia; PLEC-Related Epidermolysis Bullosa with Pyloric Atresia; Epidermolysis bullosa simplex with pyloric atresia. Identifiers: Orphanet 158684, MedGen C2677349, MONDO:0012807, OMIM 612138.
PLEC-related disorder. Also called: PLEC-related disorders; PLEC-related condition.

Allele frequency attached by ClinVar (database versions not stated): gnomAD exomes 0.00005 and 0.00006; ExAC 0.00006; TOPMed 0.00001; gnomAD 0.00003.
gnomAD v4.1: 93 of 1,611,246 alleles (0.0058%); highest among the groups gnomAD compares: South Asian, 0.019%; no homozygotes.

Submissions (3):

PreventionGenetics, part of Exact Sciences
Classification: Uncertain significance for PLEC-related condition. Last evaluated: 2026-08-04. Review status: criteria provided, single submitter. Criteria: ACMG Guidelines, 2015. Collection method: clinical testing. Allele origin: germline.
Comment: The PLEC c.11338G>A variant is predicted to result in the amino acid substitution p.Val3780Met. To our knowledge, this variant has not been reported in the literature. This variant is reported in 0.033% of alleles in individuals of South Asian descent in gnomAD. At this time, the clinical significance of this variant is uncertain due to the absence of conclusive functional and genetic evidence.

Revvity Omics, Revvity
Classification: Uncertain significance. Last evaluated: 2025-05-30. Review status: criteria provided, single submitter. Criteria: ACMG Guidelines, 2015. Collection method: clinical testing. Allele origin: germline.

Labcorp Genetics (formerly Invitae), Labcorp
Classification: Uncertain significance for Autosomal recessive limb-girdle muscular dystrophy type 2Q; Epidermolysis bullosa simplex, Ogna type; Epidermolysis bullosa simplex with nail dystrophy; Epidermolysis bullosa simplex 5C, with pyloric atresia; Epidermolysis bullosa simplex 5B, with muscular dystrophy. Last evaluated: 2024-08-11. Review status: criteria provided, single submitter. Criteria: Invitae Variant Classification Sherloc (09022015). Collection method: clinical testing. Allele origin: germline.
Comment: This sequence change replaces valine, which is neutral and non-polar, with methionine, which is neutral and non-polar, at codon 3780 of the PLEC protein (p.Val3780Met). This variant is present in population databases (rs782803934, gnomAD 0.03%). This variant has not been reported in the literature in individuals affected with PLEC-related conditions. ClinVar contains an entry for this variant (Variation ID: 938547). An algorithm developed to predict the effect of missense changes on protein structure and function (PolyPhen-2) suggests that this variant is likely to be disruptive. In summary, the available evidence is currently insufficient to determine the role of this variant in disease. Therefore, it has been classified as a Variant of Uncertain Significance.